The following is an entry in ClinVar:

ClinVar aggregate classification (germline): Uncertain significance (1 of 4 stars; one submission).

Conditions:
Primary ciliary dyskinesia. Also called: Ciliary dyskinesia. Identifiers: Orphanet 244, MedGen C0008780, MONDO:0016575, HP:0012265.

Submission:

Labcorp Genetics (formerly Invitae), Labcorp
Classification: Uncertain significance for Primary ciliary dyskinesia. Last evaluated: 2024-01-25. Review status: criteria provided, single submitter. Criteria: Invitae Variant Classification Sherloc (09022015). Collection method: clinical testing. Allele origin: germline.
Comment: This sequence change replaces aspartic acid, which is acidic and polar, with valine, which is neutral and non-polar, at codon 551 of the DNAAF2 protein (p.Asp551Val). This variant is not present in population databases (gnomAD no frequency). This variant has not been reported in the literature in individuals affected with DNAAF2-related conditions. ClinVar contains an entry for this variant (Variation ID: 1969733). Advanced modeling of protein sequence and biophysical properties (such as structural, functional, and spatial information, amino acid conservation, physicochemical variation, residue mobility, and thermodynamic stability) performed at Invitae indicates that this missense variant is not expected to disrupt DNAAF2 protein function with a negative predictive value of 80%. In summary, the available evidence is currently insufficient to determine the role of this variant in disease. Therefore, it has been classified as a Variant of Uncertain Significance.

NM_018139.3(DNAAF2):c.1652A>T (p.Asp551Val)

Genes: DNAAF2 (dynein axonemal assembly factor 2; minus strand), LOC130055541 (ATAC-STARR-seq lymphoblastoid active region 8320; plus strand). Cytogenetic location: 14q21.3.
Variant type: single nucleotide variant.
Coding change: c.1652A>T on transcript NM_018139.3 (MANE Select); coding-DNA position 1652, A replaced by T.
Protein change: p.Asp551Val; replaces aspartic acid 551 with valine.
Molecular consequence: missense variant. On other transcripts: 5 prime UTR variant (1).
Genome position (GRCh38, 1-based): chr14:49,633,498, T>A on the plus strand (A>T on the coding strand, the complement: DNAAF2 is on the minus strand). VCF-style: chr14-49633498-T-A. GRCh37 (hg19) VCF-style: chr14-50100216-T-A.
Other names: c.1652A>T, p.Asp551Val (NM_001083908.2); c.-220A>T (NM_001378453.1); short protein forms D551V.
Identifiers: ClinVar variation 1969733 (VCV001969733.5), dbSNP rs2502766432, ClinGen allele CA389626334.